The following is an entry in ClinVar:

NM_000540.3(RYR1):c.3667G>A (p.Glu1223Lys)

Gene: RYR1 (ryanodine receptor 1; plus strand). Cytogenetic location: 19q13.2.
Variant type: single nucleotide variant.
Coding change: c.3667G>A on transcript NM_000540.3 (MANE Select); coding-DNA position 3667, G replaced by A.
Protein change: p.Glu1223Lys; replaces glutamic acid 1223 with lysine.
Molecular consequence: missense variant.
Genome position (GRCh38, 1-based): chr19:38,469,415, G>A. VCF-style: chr19-38469415-G-A. GRCh37 (hg19) VCF-style: chr19-38960055-G-A.
Other names: NM_001042723.2:c.3667G>A; NM_000540.3(RYR1):c.3667G>A; p.(Glu1223Lys); c.3667G>A, p.Glu1223Lys (NM_001042723.2); short protein forms E1223K.
Identifiers: ClinVar variation 1004840 (VCV001004840.14), dbSNP rs936513262, ClinGen allele CA308078035.

ClinVar aggregate classification (germline): Uncertain significance. Review status: reviewed by expert panel (3 of 4 stars). 5 submissions from 5 submitters: Uncertain significance (1). 4 of the submissions do not count toward it. Last evaluated 2025-08-01.

Conditions:
RYR1-related disorder. Also called: RYR1-related disorders; RYR1-related condition. Identifiers: MedGen CN239331.
Malignant hyperthermia, susceptibility to, 1 (MHS1). Also called: RYR1-Related Malignant Hyperthermia Susceptibility; Anesthesia related hyperthermia; Malignant hyperpyrexia; Fulminating hyperpyrexia; Pharmacogenic myopathy; Malignant hyperthermia suceptibility 1. Identifiers: Orphanet 423, MedGen C2930980, MONDO:0007783, OMIM 145600.
Malignant hyperthermia of anesthesia. Also called: Anesthesic-triggered malignant hyperthermia. Identifiers: Orphanet 423, MedGen C0024591, MONDO:0018493, HP:0034733.
Central core myopathy (CMYO1A). Also called: Central core disease; Myopathy, central fibrillar; CONGENITAL MYOPATHY 1A, AUTOSOMAL DOMINANT, WITH SUSCEPTIBILITY TO MALIGNANT HYPERTHERMIA. Identifiers: Orphanet 597, MedGen C5830701, MONDO:0007294, OMIM 117000.

Allele frequency attached by ClinVar (database versions not stated): gnomAD exomes 0.00001 and 0.00002.
gnomAD v4.1: 27 of 1,614,088 alleles (0.0017%); highest among the groups gnomAD compares: South Asian, 0.0044%; no homozygotes.

Submissions (5):

ClinGen Malignant Hyperthermia Susceptibility Variant Curation Expert Panel, ClinGen
Classification: Uncertain significance for Malignant hyperthermia of anesthesia. Last evaluated: 2025-08-01. Review status: reviewed by expert panel. Criteria: ClinGen MHS ACMG Specifications V2. Collection method: curation. Allele origin: germline. Inheritance: Autosomal dominant inheritance.
Comment: This pathogenicity assessment is relevant only for malignant hyperthermia susceptibility (MHS) inherited in an autosomal dominant pattern. Variants in RYR1 can also cause other myopathies inherited in an autosomal dominant pattern or in an autosomal recessive pattern. Some of these disorders may predispose individuals to malignant hyperthermia. RYR1 variants may also contribute to a malignant hyperthermia reaction in combination with other genetic and non-genetic factors and the clinician needs to consider such factors in making management decisions. This sequence variant predicts a substitution of glutamic acid with lysine at codon 1223 of the RYR1 protein, p.(Glu1223Lys). The maximum allele frequency for this variant among the six major gnomAD populations is NFE: 0.0000259, a frequency consistent with pathogenicity for MHS. This variant has been reported in an individual with a personal or family history of an MH episode and a positive in vitro contracture test (IVCT) or caffeine halothane contracture test (CHCT) result (if the proband was unavailable for testing, a positive diagnostic test result in a mutation-positive relative was counted), this individual also had a pathogenic variant in RYR1 (p.Gly2434Arg), PS4 was not implemented (PMID:30236257, personal communication). No functional studies were identified for this variant. This variant does not reside in a hotspot for pathogenic variants that contribute to MHS. A REVEL score of 0.831 supports neither a pathogenic nor a benign status for this variant. This variant has been classified as a Variant of Unknown Significance. Criteria implemented: None.

All of Us Research Program, National Institutes of Health
Classification: Uncertain significance for Malignant hyperthermia, susceptibility to, 1. Last evaluated: 2024-08-29. Review status: criteria provided, single submitter. Criteria: ACMG Guidelines, 2015. Collection method: clinical testing. Allele origin: germline. Inheritance: Autosomal dominant inheritance. Observed: 3 variant alleles, 3 heterozygotes. Not counted in ClinVar's aggregate classification.
Comment: This missense variant replaces glutamic acid with lysine at codon 1223 of the RYR1 protein. Computational prediction suggests that this variant may have deleterious impact on protein structure and function (internally defined REVEL score threshold >= 0.7, PMID: 27666373). To our knowledge, functional studies have not been reported for this variant. This variant has been reported in an individual with a personal or family history of malignant hyperthermia, this individual also carried a known pathogenic variant in RYR1, which may explain the observed phenotype (PMID: 30236257, ClinVar: SCV001815833.3). This variant has been identified in 3/251396 chromosomes in the general population by the Genome Aggregation Database (gnomAD). The available evidence is insufficient to determine the role of this variant in disease conclusively. Therefore, this variant is classified as a Variant of Uncertain Significance.

This study involves interpretation of variants in research participants for the purpose of population health screening. Participant phenotype was not available at the time of variant classification. Additional details can be found in publication PMID: 35346344, PMCID: PMC8962531

Color Diagnostics, LLC DBA Color Health
Classification: Uncertain significance for Malignant hyperthermia, susceptibility to, 1. Last evaluated: 2024-04-05. Review status: criteria provided, single submitter. Criteria: ACMG Guidelines, 2015. Collection method: clinical testing. Allele origin: germline. Not counted in ClinVar's aggregate classification.
Comment: This missense variant replaces glutamic acid with lysine at codon 1223 of the RYR1 protein. Computational prediction tool is inconclusive regarding the impact of this variant on protein structure and function. To our knowledge, functional studies have not been reported for this variant. This variant has been reported in an individual with a personal or family history of malignant hyperthermia, this individual also carried a known pathogenic variant in RYR1, which may explain the observed phenotype (PMID: 30236257, ClinVar: SCV001815833.3). This variant has been identified in 3/251396 chromosomes in the general population by the Genome Aggregation Database (gnomAD). The available evidence is insufficient to determine the role of this variant in disease conclusively. Therefore, this variant is classified as a Variant of Uncertain Significance.

Laboratorio de Genetica e Diagnostico Molecular, Hospital Israelita Albert Einstein
Classification: Uncertain significance for Central core myopathy. Last evaluated: 2022-07-22. Review status: criteria provided, single submitter. Criteria: ACMG Guidelines, 2015. Collection method: clinical testing. Allele origin: germline. Affected: yes. Observed: 1 variant allele. Not counted in ClinVar's aggregate classification.
Comment: ACMG classification criteria: PM2 moderated, PP3 supporting

Labcorp Genetics (formerly Invitae), Labcorp
Classification: Uncertain significance for RYR1-related disorder. Last evaluated: 2022-06-21. Review status: criteria provided, single submitter. Criteria: Invitae Variant Classification Sherloc (09022015). Collection method: clinical testing. Allele origin: germline. Not counted in ClinVar's aggregate classification.
Comment: This sequence change replaces glutamic acid, which is acidic and polar, with lysine, which is basic and polar, at codon 1223 of the RYR1 protein (p.Glu1223Lys). This variant is present in population databases (no rsID available, gnomAD 0.002%). This missense change has been observed in individual(s) with clinical features of RYR1-related conditions (Invitae). ClinVar contains an entry for this variant (Variation ID: 1004840). Advanced modeling of protein sequence and biophysical properties (such as structural, functional, and spatial information, amino acid conservation, physicochemical variation, residue mobility, and thermodynamic stability) performed at Invitae indicates that this missense variant is expected to disrupt RYR1 protein function. In summary, the available evidence is currently insufficient to determine the role of this variant in disease. Therefore, it has been classified as a Variant of Uncertain Significance.

Literature cited by the submitters: PubMed 30236257 (cited by All of Us Research Program, National Institutes of Health and Color Diagnostics, LLC DBA Color Health).